The following is an entry in ClinVar:

ClinVar aggregate classification (germline): Uncertain significance (1 of 4 stars; one submission).

gnomAD v4.1: 10 of 1,614,082 alleles (0.00062%); highest among the groups gnomAD compares: Middle Eastern, 0.016%; no homozygotes.

Submissions (2):

Labcorp Genetics (formerly Invitae), Labcorp
Classification: Uncertain significance. Last evaluated: 2024-04-20. Review status: criteria provided, single submitter. Criteria: Invitae Variant Classification Sherloc (09022015). Collection method: clinical testing. Allele origin: germline.
Comment: This sequence change replaces valine, which is neutral and non-polar, with glycine, which is neutral and non-polar, at codon 1091 of the A2ML1 protein (p.Val1091Gly). This variant is not present in population databases (gnomAD no frequency). This variant has not been reported in the literature in individuals affected with A2ML1-related conditions. An algorithm developed to predict the effect of missense changes on protein structure and function (PolyPhen-2) suggests that this variant is likely to be disruptive. In summary, the available evidence is currently insufficient to determine the role of this variant in disease. Therefore, it has been classified as a Variant of Uncertain Significance.

Dr. Peter K. Rogan Lab, Western University
No classification provided (evidence only). Condition: Familial cancer of breast. Review status: no classification provided. Collection method: in vitro. Allele origin: not applicable. Functional consequence: skipped exon. Not counted in ClinVar's aggregate classification.

NM_144670.6(A2ML1):c.3272T>G (p.Val1091Gly)

Gene: A2ML1 (alpha-2-macroglobulin like 1; plus strand). Cytogenetic location: 12p13.31.
Variant type: single nucleotide variant.
Coding change: c.3272T>G on transcript NM_144670.6 (MANE Select); coding-DNA position 3272, T replaced by G.
Protein change: p.Val1091Gly; replaces valine 1091 with glycine.
Molecular consequence: missense variant.
Genome position (GRCh38, 1-based): chr12:8,860,888, T>G. VCF-style: chr12-8860888-T-G. GRCh37 (hg19) VCF-style: chr12-9013484-T-G.
Other names: c.1799T>G, p.Val600Gly (NM_001282424.3); short protein forms V600G, V1091G.
Identifiers: ClinVar variation 3666768 (VCV003666768.3).